The following is an entry in ClinVar:

ClinVar aggregate classification (germline): Uncertain significance (1 of 4 stars; one submission).

Conditions:
Camptomelic dysplasia (CMPD). Also called: Campomelic Dysplasia; CMPD1/SRA1. Identifiers: Orphanet 140, MedGen C1861922, MONDO:0007251, OMIM 114290.

Allele frequency attached by ClinVar (database versions not stated): TOPMed 0.00001.

Submission:

Labcorp Genetics (formerly Invitae), Labcorp
Classification: Uncertain significance for Camptomelic dysplasia. Last evaluated: 2022-08-20. Review status: criteria provided, single submitter. Criteria: Invitae Variant Classification Sherloc (09022015). Collection method: clinical testing. Allele origin: germline.
Comment: In summary, the available evidence is currently insufficient to determine the role of this variant in disease. Therefore, it has been classified as a Variant of Uncertain Significance. Variants that disrupt the consensus splice site are a relatively common cause of aberrant splicing (PMID: 17576681, 9536098). Algorithms developed to predict the effect of sequence changes on RNA splicing suggest that this variant is not likely to affect RNA splicing. This variant has not been reported in the literature in individuals affected with SOX9-related conditions. This variant is not present in population databases (gnomAD no frequency). This sequence change falls in intron 2 of the SOX9 gene. It does not directly change the encoded amino acid sequence of the SOX9 protein. It affects a nucleotide within the consensus splice site.

Literature cited by the submitters: PubMed 17576681; PubMed 9536098.

NM_000346.4(SOX9):c.686-3C>T

Gene: SOX9 (SRY-box transcription factor 9; plus strand). Cytogenetic location: 17q24.3.
Variant type: single nucleotide variant.
Coding change: c.686-3C>T on transcript NM_000346.4 (MANE Select); 3 bases into the intron before coding-DNA position 686, C replaced by T.
Molecular consequence: intron variant.
Genome position (GRCh38, 1-based): chr17:72,123,540, C>T. VCF-style: chr17-72123540-C-T. GRCh37 (hg19) VCF-style: chr17-70119681-C-T.
Identifiers: ClinVar variation 2055385 (VCV002055385.4), dbSNP rs1908176120, ClinGen allele CA2273926331.